The following is an entry in ClinVar:

ClinVar aggregate classification (germline): Uncertain significance (1 of 4 stars; one submission).

Conditions:
Ellis-van Creveld syndrome (EVC). Also called: EVC-Related Ellis-van Creveld Syndrome; EVC2-Related Ellis-van Creveld Syndrome; MESOECTODERMAL DYSPLASIA; Chondroectodermal dysplasia. Identifiers: Orphanet 289, MedGen C0013903, MONDO:0009162, OMIM 225500.
Curry-Hall syndrome (WAD). Also called: WEYERS ACRODENTAL DYSOSTOSIS. Identifiers: Orphanet 952, MedGen C0457013, MONDO:0008673, OMIM 193530.

Submission:

Labcorp Genetics (formerly Invitae), Labcorp
Classification: Uncertain significance for Curry-Hall syndrome; Ellis-van Creveld syndrome. Last evaluated: 2024-06-17. Review status: criteria provided, single submitter. Criteria: Invitae Variant Classification Sherloc (09022015). Collection method: clinical testing. Allele origin: germline.
Comment: This sequence change replaces alanine, which is neutral and non-polar, with serine, which is neutral and polar, at codon 975 of the EVC2 protein (p.Ala975Ser). This variant is not present in population databases (gnomAD no frequency). This variant has not been reported in the literature in individuals affected with EVC2-related conditions. An algorithm developed to predict the effect of missense changes on protein structure and function (PolyPhen-2) suggests that this variant is likely to be tolerated. In summary, the available evidence is currently insufficient to determine the role of this variant in disease. Therefore, it has been classified as a Variant of Uncertain Significance.

NM_147127.5(EVC2):c.2923G>T (p.Ala975Ser)

Gene: EVC2 (EvC ciliary complex subunit 2; minus strand). Cytogenetic location: 4p16.2.
Variant type: single nucleotide variant.
Coding change: c.2923G>T on transcript NM_147127.5 (MANE Select); coding-DNA position 2923, G replaced by T.
Protein change: p.Ala975Ser; replaces alanine 975 with serine.
Molecular consequence: missense variant.
Genome position (GRCh38, 1-based): chr4:5,584,757, C>A on the plus strand (G>T on the coding strand, the complement: EVC2 is on the minus strand). VCF-style: chr4-5584757-C-A. GRCh37 (hg19) VCF-style: chr4-5586484-C-A.
Other names: c.2683G>T, p.Ala895Ser (NM_001166136.2); short protein forms A895S, A975S.
Identifiers: ClinVar variation 3748279 (VCV003748279.2).